The following is an entry in ClinVar:

NM_001384474.1(LOXHD1):c.5840del (p.Gly1947fs)

Gene: LOXHD1 (lipoxygenase homology PLAT domains 1; minus strand). Cytogenetic location: 18q21.1.
Variant type: Deletion.
Coding change: c.5840del on transcript NM_001384474.1 (MANE Select); coding-DNA position 5840, one base deleted (G; older notation c.5840delG).
Protein change: p.Gly1947fs; shifts the reading frame from glycine 1947.
Molecular consequence: frameshift variant.
Genome position (GRCh38, 1-based): chr18:46,505,876, C deleted on the plus strand (G on the coding strand, the reverse complement: LOXHD1 is on the minus strand); the first of 3 consecutive C bases (chr18:46,505,876-46,505,878); deleting any one gives the same sequence. VCF-style (leftmost placement, unchanged base first): chr18-46505875-GC-G. GRCh37 (hg19) VCF-style: chr18-44085838-GC-G.
Other names: c.2507del, p.Gly836fs (NM_001145472.3); c.557del, p.Gly186fs (NM_001145473.3, NM_001173129.2); c.2219del, p.Gly740fs (NM_001308013.2); c.5654del, p.Gly1885fs (NM_144612.7); short protein forms G740fs, G836fs, G186fs, G1885fs, G1947fs.
Identifiers: ClinVar variation 938230 (VCV000938230.3), dbSNP rs2034533882, ClinGen allele CA1139666051.

ClinVar aggregate classification (germline): Pathogenic (1 of 4 stars; one submission).

Submission:

Labcorp Genetics (formerly Invitae), Labcorp
Classification: Pathogenic. Last evaluated: 2024-02-14. Review status: criteria provided, single submitter. Criteria: Invitae Variant Classification Sherloc (09022015). Collection method: clinical testing. Allele origin: germline.
Comment: This sequence change creates a premature translational stop signal (p.Gly1885Alafs*6) in the LOXHD1 gene. It is expected to result in an absent or disrupted protein product. Loss-of-function variants in LOXHD1 are known to be pathogenic (PMID: 19732867, 21465660, 25792669). This variant is not present in population databases (gnomAD no frequency). This variant has not been reported in the literature in individuals affected with LOXHD1-related conditions. ClinVar contains an entry for this variant (Variation ID: 938230). For these reasons, this variant has been classified as Pathogenic.

Literature cited by the submitters: PubMed 19732867; PubMed 21465660; PubMed 25792669.